The following is an entry in ClinVar:

ClinVar aggregate classification (germline): Conflicting classifications of pathogenicity. Review status: criteria provided, conflicting classifications (1 of 4 stars). 5 submissions from 5 submitters: Uncertain significance (1); Likely benign (4). Last evaluated 2025-03-04.

Conditions:
DICER1-related tumor predisposition. Also called: DICER1-related pleuropulmonary blastoma cancer predisposition syndrome; DICER1 syndrome. Identifiers: Orphanet 284343, MedGen C3839822, MONDO:0100216.
Hereditary cancer-predisposing syndrome. Also called: Neoplastic Syndromes, Hereditary; Tumor predisposition; Hereditary Cancer Syndrome; Hereditary neoplastic syndrome. Identifiers: Orphanet 140162, MedGen C0027672, MeSH D009386, MONDO:0015356.

Allele frequency attached by ClinVar (database versions not stated): gnomAD 0.00001; TOPMed 0.00001.
gnomAD v4.1: 1 of 1,614,036 alleles (0.000062%); highest among the groups gnomAD compares: Non-Finnish European, 0.000085%; no homozygotes.

Submissions (5):

Center for Genomic Medicine, Rigshospitalet, Copenhagen University Hospital
Classification: Likely benign. Last evaluated: 2025-03-04. Review status: criteria provided, single submitter. Criteria: ACMG Guidelines, 2015. Collection method: clinical testing. Allele origin: germline.

Labcorp Genetics (formerly Invitae), Labcorp
Classification: Likely benign for DICER1-related tumor predisposition. Last evaluated: 2024-02-01. Review status: criteria provided, single submitter. Criteria: Invitae Variant Classification Sherloc (09022015). Collection method: clinical testing. Allele origin: germline.

Sema4
Classification: Uncertain significance for Hereditary cancer-predisposing syndrome. Last evaluated: 2021-10-25. Review status: criteria provided, single submitter. Criteria: Sema4 Curation Guidelines. Collection method: curation. Allele origin: germline.
Comment: The DICER1 c.3459C>T (p.C1153=) variant has not been reported in the literature to our knowledge. It was observed in 1/15428 chromosomes of the Non-Finnish European subpopulation in the large and broad cohorts of the Genome Aggregation Database (PMID: 32461654). The variant has been reported in ClinVar (Variation ID 543674). In silico tools suggest that the nucleotide is conserved and that the variant may not have an impact on splicing, though these predictions have not been confirmed by functional studies. The evidence is insufficient to meet ACMG/AMP criteria for classifying the variant as benign or pathogenic. Thus, the clinical significance of this variant is currently uncertain.

Ambry Genetics
Classification: Likely benign for Hereditary cancer-predisposing syndrome. Last evaluated: 2019-04-06. Review status: criteria provided, single submitter. Criteria: Ambry Variant Classification Scheme 2023. Collection method: clinical testing. Allele origin: germline.

Breakthrough Genomics
Classification: Likely benign. Review status: criteria provided, single submitter. Criteria: ACMG Guidelines, 2015. Collection method: not provided. Allele origin: germline. Inheritance: Autosomal dominant inheritance. Affected: yes.

NM_177438.3(DICER1):c.3459C>T (p.Cys1153=)

Gene: DICER1 (dicer 1, ribonuclease III; minus strand). Cytogenetic location: 14q32.13.
Variant type: single nucleotide variant.
Coding change: c.3459C>T on transcript NM_177438.3 (MANE Select); coding-DNA position 3459, C replaced by T.
Protein change: p.Cys1153=; no amino-acid change (cysteine 1153 retained).
Molecular consequence: synonymous variant.
Genome position (GRCh38, 1-based): chr14:95,103,937, G>A on the plus strand (C>T on the coding strand, the complement: DICER1 is on the minus strand). VCF-style: chr14-95103937-G-A. GRCh37 (hg19) VCF-style: chr14-95570274-G-A.
Other names: c.3459C>T, p.Cys1153= (NM_001195573.1, NM_001271282.3, NM_001291628.2 and 1 more transcripts).
Identifiers: ClinVar variation 543674 (VCV000543674.18), dbSNP rs1300692476, ClinGen allele CA487844547.